The following is an entry in ClinVar:

NM_001167.4(XIAP):c.737C>T (p.Ser246Phe)

Gene: XIAP (X-linked inhibitor of apoptosis; plus strand). Cytogenetic location: Xq25.
Variant type: single nucleotide variant.
Coding change: c.737C>T on transcript NM_001167.4 (MANE Select); coding-DNA position 737, C replaced by T.
Protein change: p.Ser246Phe; replaces serine 246 with phenylalanine.
Molecular consequence: missense variant.
Genome position (GRCh38, 1-based): chrX:123,886,399, C>T. VCF-style: chrX-123886399-C-T. GRCh37 (hg19) VCF-style: chrX-123020249-C-T.
Other names: c.737C>T, p.Ser246Phe (NM_001204401.2, NM_001378590.1, NM_001378591.1 and 1 more transcripts); short protein forms S246F.
Identifiers: ClinVar variation 807811 (VCV000807811.46), dbSNP rs1602544652, ClinGen allele CA414124392.

ClinVar aggregate classification (germline): Uncertain significance. Review status: criteria provided, multiple submitters, no conflicts (2 of 4 stars). 2 submissions from 2 submitters: Uncertain significance (2). Last evaluated 2022-06-04.

Conditions:
X-linked lymphoproliferative disease due to XIAP deficiency. Also called: XIAP-Related Lymphoproliferative Disease, X-Linked; XIAP DEFICIENCY. Identifiers: Orphanet 2442, Orphanet 538934, MedGen C1845076, MONDO:0010385, OMIM 300635.

Submissions (2):

Labcorp Genetics (formerly Invitae), Labcorp
Classification: Uncertain significance for X-linked lymphoproliferative disease due to XIAP deficiency. Last evaluated: 2022-06-04. Review status: criteria provided, single submitter. Criteria: Invitae Variant Classification Sherloc (09022015). Collection method: clinical testing. Allele origin: germline.
Comment: This sequence change replaces serine, which is neutral and polar, with phenylalanine, which is neutral and non-polar, at codon 246 of the XIAP protein (p.Ser246Phe). This variant is not present in population databases (gnomAD no frequency). This variant has not been reported in the literature in individuals affected with XIAP-related conditions. ClinVar contains an entry for this variant (Variation ID: 807811). Algorithms developed to predict the effect of missense changes on protein structure and function are either unavailable or do not agree on the potential impact of this missense change (SIFT: "Not Available"; PolyPhen-2: "Benign"; Align-GVGD: "Not Available"). In summary, the available evidence is currently insufficient to determine the role of this variant in disease. Therefore, it has been classified as a Variant of Uncertain Significance.

CeGaT Center for Human Genetics Tuebingen
Classification: Uncertain significance. Last evaluated: 2019-02-01. Review status: criteria provided, single submitter. Criteria: CeGaT Center For Human Genetics Tuebingen Variant Classification Criteria Version 2. Collection method: clinical testing. Allele origin: germline. Affected: yes. Observed: 1 variant allele.